The following is an entry in ClinVar:

ClinVar aggregate classification (germline): Likely pathogenic (1 of 4 stars; one submission).

Conditions:
PCARE-related disorder. Also called: PCARE-related condition.

Submission:

PreventionGenetics, part of Exact Sciences
Classification: Likely pathogenic for PCARE-related condition. Last evaluated: 2026-07-22. Review status: criteria provided, single submitter. Criteria: ACMG Guidelines, 2015. Collection method: clinical testing. Allele origin: germline.
Comment: The PCARE c.916delC variant is predicted to result in a frameshift and premature protein termination (p.His306Thrfs*6). To our knowledge, this variant has not been reported in the literature or in a large population database (gnomAD), indicating this variant is rare. Frameshift variants in PCARE are expected to be pathogenic. This variant is interpreted as likely pathogenic.

NM_001029883.3(PCARE):c.916del (p.His306fs)

Gene: PCARE (photoreceptor cilium actin regulator; minus strand). Cytogenetic location: 2p23.2.
Variant type: Deletion.
Coding change: c.916del on transcript NM_001029883.3 (MANE Select); coding-DNA position 916, one base deleted (C; older notation c.916delC).
Protein change: p.His306fs; shifts the reading frame from histidine 306.
Molecular consequence: frameshift variant.
Genome position (GRCh38, 1-based): chr2:29,073,346, G deleted on the plus strand (C on the coding strand, the reverse complement: PCARE is on the minus strand); the first of 3 consecutive G bases (chr2:29,073,346-29,073,348); deleting any one gives the same sequence. VCF-style (leftmost placement, unchanged base first): chr2-29073345-TG-T. GRCh37 (hg19) VCF-style: chr2-29296211-TG-T.
Other names: short protein forms H306fs.
Identifiers: ClinVar variation 4991336 (VCV004991336.1).